The following is an entry in ClinVar:

NM_001267550.2(TTN):c.94043A>G (p.Lys31348Arg)

Genes: TTN (titin; minus strand), TTN-AS1 (TTN antisense RNA 1; plus strand). Cytogenetic location: 2q31.2.
Variant type: single nucleotide variant.
Coding change: c.94043A>G on transcript NM_001267550.2 (MANE Select); coding-DNA position 94043, A replaced by G.
Protein change: p.Lys31348Arg; replaces lysine 31348 with arginine.
Molecular consequence: missense variant.
Genome position (GRCh38, 1-based): chr2:178,547,583, T>C on the plus strand (A>G on the coding strand, the complement: TTN is on the minus strand). VCF-style: chr2-178547583-T-C. GRCh37 (hg19) VCF-style: chr2-179412310-T-C.
Other names: c.89120A>G, p.Lys29707Arg (NM_001256850.1); c.66848A>G, p.Lys22283Arg (NM_003319.4); c.86339A>G, p.Lys28780Arg (NM_133378.4); c.67223A>G, p.Lys22408Arg (NM_133432.3); c.67424A>G, p.Lys22475Arg (NM_133437.4); short protein forms K22283R, K22408R, K22475R, K28780R, K29707R, K31348R.
Identifiers: ClinVar variation 3349463 (VCV003349463.1).

ClinVar aggregate classification (germline): Uncertain significance (0 of 4 stars; one submission).

Conditions:
TTN-related disorder. Also called: TTN-related disorders; TTN-related condition; TTN-related disease.

Submission:

PreventionGenetics, part of Exact Sciences
Classification: Uncertain significance for TTN-related condition. Last evaluated: 2024-03-03. Review status: no assertion criteria provided. Collection method: clinical testing. Allele origin: germline.
Comment: The TTN c.94043A>G variant is predicted to result in the amino acid substitution p.Lys31348Arg. To our knowledge, this variant has not been reported in the literature or in a large population database, indicating this variant is rare. At this time, the clinical significance of this variant is uncertain due to the absence of conclusive functional and genetic evidence.